The following is an entry in ClinVar:

ClinVar aggregate classification (germline): Uncertain significance (1 of 4 stars; one submission).

Submission:

Labcorp Genetics (formerly Invitae), Labcorp
Classification: Uncertain significance. Last evaluated: 2024-04-10. Review status: criteria provided, single submitter. Criteria: Invitae Variant Classification Sherloc (09022015). Collection method: clinical testing. Allele origin: germline.
Comment: This sequence change replaces cysteine, which is neutral and slightly polar, with tryptophan, which is neutral and slightly polar, at codon 18 of the TNFRSF11A protein (p.Cys18Trp). This variant is not present in population databases (gnomAD no frequency). This variant has not been reported in the literature in individuals affected with TNFRSF11A-related conditions. ClinVar contains an entry for this variant (Variation ID: 1354508). Algorithms developed to predict the effect of missense changes on protein structure and function output the following: SIFT: "Not Available"; PolyPhen-2: "Not Available"; Align-GVGD: "Not Available". The tryptophan amino acid residue is found in multiple mammalian species, which suggests that this missense change does not adversely affect protein function. In summary, the available evidence is currently insufficient to determine the role of this variant in disease. Therefore, it has been classified as a Variant of Uncertain Significance.

NM_003839.4(TNFRSF11A):c.54C>G (p.Cys18Trp)

Gene: TNFRSF11A (TNF receptor superfamily member 11a; plus strand). Cytogenetic location: 18q21.33.
Variant type: single nucleotide variant.
Coding change: c.54C>G on transcript NM_003839.4 (MANE Select); coding-DNA position 54, C replaced by G.
Protein change: p.Cys18Trp; replaces cysteine 18 with tryptophan.
Molecular consequence: missense variant.
Genome position (GRCh38, 1-based): chr18:62,325,406, C>G. VCF-style: chr18-62325406-C-G. GRCh37 (hg19) VCF-style: chr18-59992639-C-G.
Other names: c.54C>G, p.Cys18Trp (NM_001270949.2, NM_001270950.2, NM_001270951.2 and 1 more transcripts); short protein forms C18W.
Identifiers: ClinVar variation 1354508 (VCV001354508.6), dbSNP rs2145223302, ClinGen allele CA402618739.